The following is an entry in ClinVar:

NM_001039591.3(USP9X):c.4535G>C (p.Cys1512Ser)

Gene: USP9X (ubiquitin specific peptidase 9 X-linked; plus strand). Cytogenetic location: Xp11.4.
Variant type: single nucleotide variant.
Coding change: c.4535G>C on transcript NM_001039591.3 (MANE Select); coding-DNA position 4535, G replaced by C.
Protein change: p.Cys1512Ser; replaces cysteine 1512 with serine.
Molecular consequence: missense variant.
Genome position (GRCh38, 1-based): chrX:41,198,682, G>C. VCF-style: chrX-41198682-G-C. GRCh37 (hg19) VCF-style: chrX-41057935-G-C.
Other names: c.4535G>C, p.Cys1512Ser (NM_001039590.3); c.4550G>C, p.Cys1517Ser (NM_001410748.1, NM_001410749.1); short protein forms C1512S, C1517S.
Identifiers: ClinVar variation 3360266 (VCV003360266.1).

ClinVar aggregate classification (germline): Uncertain significance (1 of 4 stars; one submission).

Submission:

GeneDx
Classification: Uncertain significance. Last evaluated: 2023-06-27. Review status: criteria provided, single submitter. Criteria: GeneDx Variant Classification Process June 2021. Collection method: clinical testing. Allele origin: germline. Affected: yes.
Comment: Not observed at significant frequency in large population cohorts (gnomAD); In silico analysis supports that this missense variant has a deleterious effect on protein structure/function; Has not been previously published as pathogenic or benign to our knowledge